The following is an entry in ClinVar:

ClinVar aggregate classification (germline): Uncertain significance (1 of 4 stars; one submission).

Submission:

Labcorp Genetics (formerly Invitae), Labcorp
Classification: Uncertain significance. Last evaluated: 2022-05-12. Review status: criteria provided, single submitter. Criteria: Invitae Variant Classification Sherloc (09022015). Collection method: clinical testing. Allele origin: germline.
Comment: In summary, the available evidence is currently insufficient to determine the role of this variant in disease. Therefore, it has been classified as a Variant of Uncertain Significance. Experimental studies and prediction algorithms are not available or were not evaluated, and the functional significance of this variant is currently unknown. This variant has not been reported in the literature in individuals affected with GPAA1-related conditions. This variant is not present in population databases (gnomAD no frequency). This variant, c.1001_1006del, results in the deletion of 2 amino acid(s) of the GPAA1 protein (p.Ala334_Val335del), but otherwise preserves the integrity of the reading frame.

NM_003801.4(GPAA1):c.1001_1006del (p.Ala334_Val335del)

Gene: GPAA1 (glycosylphosphatidylinositol anchor attachment 1; plus strand). Cytogenetic location: 8q24.3.
Variant type: Deletion.
Coding change: c.1001_1006del on transcript NM_003801.4 (MANE Select); coding-DNA positions 1001 to 1006, 6 bases deleted (CAGTGG; older notation c.1001_1006delCAGTGG).
Protein change: p.Ala334_Val335del.
Molecular consequence: inframe deletion.
Genome position (GRCh38, 1-based): chr8:144,084,600-144,084,605, CAGTGG deleted; deleting any 6 consecutive bases within chr8:144,084,596-144,084,605 gives the same sequence; the c. name uses the placement nearest the transcript's 3' end. VCF-style (leftmost placement, unchanged base first): chr8-144084595-GGTGGCA-G. GRCh37 (hg19) VCF-style: chr8-145139498-GGTGGCA-G.
Identifiers: ClinVar variation 2113815 (VCV002113815.4), dbSNP rs2537316478, ClinGen allele CA2580078666.